The following is an entry in ClinVar:

NM_024101.7(MLPH):c.1142AGG[2] (p.Glu383del)

Gene: MLPH (melanophilin; plus strand). Cytogenetic location: 2q37.3.
Variant type: Microsatellite.
Coding change: c.1142AGG[2] on transcript NM_024101.7 (MANE Select); two copies in a row of the 3-base unit AGG starting at c.1142; the reference has three copies in a row; one copy, 3 bases deleted.
Protein change: p.Glu383del; deletes glutamic acid 383.
Molecular consequence: inframe deletion. On other transcripts: non-coding transcript variant (1).
Genome position (GRCh38, 1-based): chr2:237,540,391-237,540,393, AGG deleted; deleting any 3 consecutive bases within chr2:237,540,384-237,540,393 gives the same sequence; the position shown is the placement nearest the transcript's 3' end. VCF-style (leftmost placement, unchanged base first): chr2-237540383-AGAG-A. GRCh37 (hg19) VCF-style: chr2-238449026-AGAG-A.
Other names: c.1058AGG[2], p.Glu355del (NM_001042467.3); c.938AGG[2], p.Glu315del (NM_001281473.2); c.713AGG[2], p.Glu240del (NM_001281474.2); c.1148_1150delAGG (NM_024101.6); short protein forms E383del, E240del, E315del, E355del.
Identifiers: ClinVar variation 451506 (VCV000451506.10), dbSNP rs528863829, ClinGen allele CA2190509.

ClinVar aggregate classification (germline): Conflicting classifications of pathogenicity. Review status: criteria provided, conflicting classifications (1 of 4 stars). 3 submissions from 3 submitters: Uncertain significance (1); Benign (1). 1 of the submissions does not count toward it. Last evaluated 2024-12-15.

Conditions:
MLPH-related disorder. Also called: MLPH-related condition.

Submissions (3):

Labcorp Genetics (formerly Invitae), Labcorp
Classification: Benign. Last evaluated: 2024-12-15. Review status: criteria provided, single submitter. Criteria: Invitae Variant Classification Sherloc (09022015). Collection method: clinical testing. Allele origin: germline.

GeneDx
Classification: Uncertain significance. Last evaluated: 2019-11-12. Review status: criteria provided, single submitter. Criteria: GeneDx Variant Classification Process June 2021. Collection method: clinical testing. Allele origin: germline. Affected: yes.
Comment: In-frame deletion of 1 amino acids in a non-repeat region; In silico analysis, which includes protein predictors and evolutionary conservation, supports a deleterious effect; Has not been previously published as pathogenic or benign to our knowledge

PreventionGenetics, part of Exact Sciences
Classification: Likely benign for MLPH-related condition. Last evaluated: 2024-01-12. Review status: no assertion criteria provided. Collection method: clinical testing. Allele origin: germline. Not counted in ClinVar's aggregate classification.
Comment: This variant is classified as likely benign based on ACMG/AMP sequence variant interpretation guidelines (Richards et al. 2015 PMID: 25741868, with internal and published modifications).